The following is an entry in ClinVar:

NM_207361.6(FREM2):c.5810C>T (p.Ser1937Phe)

Gene: FREM2 (FRAS1 related extracellular matrix 2; plus strand). Cytogenetic location: 13q13.3.
Variant type: single nucleotide variant.
Coding change: c.5810C>T on transcript NM_207361.6 (MANE Select); coding-DNA position 5810, C replaced by T.
Protein change: p.Ser1937Phe; replaces serine 1937 with phenylalanine.
Molecular consequence: missense variant.
Genome position (GRCh38, 1-based): chr13:38,784,599, C>T. VCF-style: chr13-38784599-C-T. GRCh37 (hg19) VCF-style: chr13-39358736-C-T.
Other names: short protein forms S1937F.
Identifiers: ClinVar variation 377116 (VCV000377116.3), dbSNP rs1020313300, ClinGen allele CA16603273.

ClinVar aggregate classification (germline): Uncertain significance (1 of 4 stars; one submission).

Allele frequency attached by ClinVar (database versions not stated): gnomAD 0.00001.

Submission:

Center for Pediatric Genomic Medicine, Children's Mercy Hospital and Clinics
Classification: Uncertain significance. Last evaluated: 2016-11-21. Review status: criteria provided, single submitter. Criteria: ACMG Guidelines, 2015. Collection method: clinical testing. Allele origin: germline.
ClinVar note: Converted during submission from Uncertain Significance to Uncertain significance.